The following is an entry in ClinVar:

ClinVar aggregate classification (germline): Uncertain significance (1 of 4 stars; one submission).

Allele frequency attached by ClinVar (database versions not stated): gnomAD exomes below 0.00001.
gnomAD v4.1: 1 of 1,566,864 alleles (0.000064%); highest among the groups gnomAD compares: Non-Finnish European, 0.000087%; no homozygotes.

Submission:

GeneDx
Classification: Uncertain significance. Last evaluated: 2026-09-16. Review status: criteria provided, single submitter. Criteria: GeneDx Variant Classification Process June 2021. Collection method: clinical testing. Allele origin: germline.
Comment: Not observed at significant frequency in large population cohorts (gnomAD); In silico analysis supports that this missense variant has a deleterious effect on protein structure/function; Has not been previously published as pathogenic or benign to our knowledge

NM_001378452.1(ITPR1):c.4864G>A (p.Asp1622Asn)

Genes: BRRIAR (BHLHE40 and RIG-I regulating ITPR1 antisense RNA; minus strand), ITPR1 (inositol 1,4,5-trisphosphate receptor type 1; plus strand). Cytogenetic location: 3p26.1.
Variant type: single nucleotide variant.
Coding change: c.4864G>A on transcript NM_001378452.1 (MANE Select); coding-DNA position 4864, G replaced by A.
Protein change: p.Asp1622Asn; replaces aspartic acid 1622 with asparagine.
Molecular consequence: missense variant.
Genome position (GRCh38, 1-based): chr3:4,710,346, G>A. VCF-style: chr3-4710346-G-A. GRCh37 (hg19) VCF-style: chr3-4752030-G-A.
Other names: c.4837G>A, p.Asp1613Asn (NM_001099952.4); c.4819G>A, p.Asp1607Asn (NM_001168272.2); c.4792G>A, p.Asp1598Asn (NM_002222.7); short protein forms D1598N, D1607N, D1613N, D1622N.
Identifiers: ClinVar variation 1707002 (VCV001707002.3), dbSNP rs2469879652, ClinGen allele CA351635850.